The following is an entry in ClinVar:

NM_001004334.4(GPR179):c.2207G>A (p.Arg736Gln)

Gene: GPR179 (G protein-coupled receptor 179; minus strand). Cytogenetic location: 17q12.
Variant type: single nucleotide variant.
Coding change: c.2207G>A on transcript NM_001004334.4 (MANE Select); coding-DNA position 2207, G replaced by A.
Protein change: p.Arg736Gln; replaces arginine 736 with glutamine.
Molecular consequence: missense variant.
Genome position (GRCh38, 1-based): chr17:38,331,362, C>T on the plus strand (G>A on the coding strand, the complement: GPR179 is on the minus strand). VCF-style: chr17-38331362-C-T. GRCh37 (hg19) VCF-style: chr17-36487245-C-T.
Other names: c.2207G>A (NM_001004334.2); short protein forms R736Q.
Identifiers: ClinVar variation 1439889 (VCV001439889.5), dbSNP rs370426194, ClinGen allele CA290106052.

ClinVar aggregate classification (germline): Uncertain significance. Review status: criteria provided, multiple submitters, no conflicts (2 of 4 stars). 2 submissions from 2 submitters: Uncertain significance (2). Last evaluated 2024-05-13.

Conditions:
Inborn genetic diseases. Identifiers: MedGen C0950123, MeSH D030342.

Allele frequency attached by ClinVar (database versions not stated): gnomAD exomes 0.00004 and 0.00005; gnomAD 0.00006; ExAC 0.00007; TOPMed 0.00009; ESP Exome Variant Server 0.00016.
gnomAD v4.1: 68 of 1,612,986 alleles (0.0042%); highest among the groups gnomAD compares: Admixed American, 0.005%; no homozygotes.

Submissions (2):

Ambry Genetics
Classification: Uncertain significance for Inborn genetic diseases. Last evaluated: 2024-05-13. Review status: criteria provided, single submitter. Criteria: Ambry Variant Classification Scheme 2023. Collection method: clinical testing. Allele origin: germline.

Labcorp Genetics (formerly Invitae), Labcorp
Classification: Uncertain significance. Last evaluated: 2024-01-02. Review status: criteria provided, single submitter. Criteria: Invitae Variant Classification Sherloc (09022015). Collection method: clinical testing. Allele origin: germline.
Comment: This sequence change replaces arginine, which is basic and polar, with glutamine, which is neutral and polar, at codon 736 of the GPR179 protein (p.Arg736Gln). This variant is present in population databases (rs370426194, gnomAD 0.008%). This variant has not been reported in the literature in individuals affected with GPR179-related conditions. ClinVar contains an entry for this variant (Variation ID: 1439889). Algorithms developed to predict the effect of missense changes on protein structure and function output the following: SIFT: "Not Available"; PolyPhen-2: "Benign"; Align-GVGD: "Not Available". The glutamine amino acid residue is found in multiple mammalian species, which suggests that this missense change does not adversely affect protein function. In summary, the available evidence is currently insufficient to determine the role of this variant in disease. Therefore, it has been classified as a Variant of Uncertain Significance.